The following is an entry in ClinVar:

ClinVar aggregate classification (germline): Uncertain significance (1 of 4 stars; one submission).

Conditions:
Inborn genetic diseases. Identifiers: MedGen C0950123, MeSH D030342.

Submission:

Ambry Genetics
Classification: Uncertain significance for Inborn genetic diseases. Last evaluated: 2026-04-26. Review status: criteria provided, single submitter. Criteria: Ambry Variant Classification Scheme 2023. Collection method: clinical testing. Allele origin: germline.
Comment: The p.R144S variant (also known as c.430C>A), located in coding exon 4 of the AKT1 gene, results from a C to A substitution at nucleotide position 430. The arginine at codon 144 is replaced by serine, an amino acid with dissimilar properties. This amino acid position is conserved. In addition, this alteration is predicted to be tolerated by in silico analysis. Based on the available evidence, the clinical significance of this variant remains unclear.

NM_001382430.1(AKT1):c.430C>A (p.Arg144Ser)

Gene: AKT1 (AKT serine/threonine kinase 1; minus strand). Cytogenetic location: 14q32.33.
Variant type: single nucleotide variant.
Coding change: c.430C>A on transcript NM_001382430.1 (MANE Select); coding-DNA position 430, C replaced by A.
Protein change: p.Arg144Ser; replaces arginine 144 with serine.
Molecular consequence: missense variant.
Genome position (GRCh38, 1-based): chr14:104,775,657, G>T on the plus strand (C>A on the coding strand, the complement: AKT1 is on the minus strand). VCF-style: chr14-104775657-G-T. GRCh37 (hg19) VCF-style: chr14-105241994-G-T.
Other names: c.430C>A, p.Arg144Ser (NM_001014431.2, NM_001014432.2, NM_001382431.1 and 3 more transcripts); short protein forms R144S.
Identifiers: ClinVar variation 4869244 (VCV004869244.1).